The following is an entry in ClinVar:

NM_002528.7(NTHL1):c.282G>A (p.Met94Ile)

Gene: NTHL1 (nth like DNA glycosylase 1; minus strand). Cytogenetic location: 16p13.3.
Variant type: single nucleotide variant.
Coding change: c.282G>A on transcript NM_002528.7 (MANE Select); coding-DNA position 282, G replaced by A.
Protein change: p.Met94Ile; replaces methionine 94 with isoleucine.
Molecular consequence: missense variant. On other transcripts: intron variant (1).
Genome position (GRCh38, 1-based): chr16:2,046,200, C>T on the plus strand (G>A on the coding strand, the complement: NTHL1 is on the minus strand). VCF-style: chr16-2046200-C-T. GRCh37 (hg19) VCF-style: chr16-2096201-C-T.
Other names: c.282G>A, p.Met94Ile (NM_001318193.2); c.24+80G>A (NM_001318194.2); short protein forms M94I.
Identifiers: ClinVar variation 1521137 (VCV001521137.6), dbSNP rs1276674075, ClinGen allele CA394295714.

ClinVar aggregate classification (germline): Uncertain significance (1 of 4 stars; one submission).

Submission:

Labcorp Genetics (formerly Invitae), Labcorp
Classification: Uncertain significance. Last evaluated: 2021-03-29. Review status: criteria provided, single submitter. Criteria: Invitae Variant Classification Sherloc (09022015). Collection method: clinical testing. Allele origin: germline.
Comment: This variant is not present in population databases (ExAC no frequency). This sequence change replaces methionine with isoleucine at codon 102 of the NTHL1 protein (p.Met102Ile). The methionine residue is highly conserved and there is a small physicochemical difference between methionine and isoleucine. In summary, the available evidence is currently insufficient to determine the role of this variant in disease. Therefore, it has been classified as a Variant of Uncertain Significance. Algorithms developed to predict the effect of missense changes on protein structure and function are either unavailable or do not agree on the potential impact of this missense change (SIFT: "Not Available"; PolyPhen-2: "Benign"; Align-GVGD: "Not Available"). This variant has not been reported in the literature in individuals with NTHL1-related conditions.